The following is an entry in ClinVar:

ClinVar aggregate classification (germline): Likely benign (1 of 4 stars; one submission).

Submission:

CeGaT Center for Human Genetics Tuebingen
Classification: Likely benign. Last evaluated: 2022-11-01. Review status: criteria provided, single submitter. Criteria: CeGaT Center For Human Genetics Tuebingen Variant Classification Criteria Version 2. Collection method: clinical testing. Allele origin: germline. Affected: yes. Observed: 2 variant alleles.
Comment: NKX2-1: BS1

NM_001079668.3(NKX2-1):c.*184_*186C[4]ACCC[1]

Genes: NKX2-1 (NK2 homeobox 1; minus strand), SFTA3 (surfactant associated 3; minus strand). Cytogenetic location: 14q13.3.
Variant type: Insertion.
Coding change: c.*184_*186C[4]ACCC[1] on transcript NM_001079668.3 (MANE Select).
Molecular consequence: 3 prime UTR variant.
Genome position: GRCh38 VCF-style: chr14-36517091-A-AGGGTG. GRCh37 (hg19) VCF-style: chr14-36986296-A-AGGGTG.
Other names: c.*184_*186C[4]ACCC[1] (NM_003317.4).
Identifiers: ClinVar variation 2644179 (VCV002644179.24), dbSNP rs141117763, ClinGen allele CA613804688.